The following is an entry in ClinVar:

NM_004415.4(DSP):c.505G>A (p.Gly169Ser)

Gene: DSP (desmoplakin; plus strand). Cytogenetic location: 6p24.3.
Variant type: single nucleotide variant.
Coding change: c.505G>A on transcript NM_004415.4 (MANE Select); coding-DNA position 505, G replaced by A.
Protein change: p.Gly169Ser; replaces glycine 169 with serine.
Molecular consequence: missense variant.
Genome position (GRCh38, 1-based): chr6:7,559,308, G>A. VCF-style: chr6-7559308-G-A. GRCh37 (hg19) VCF-style: chr6-7559541-G-A.
Other names: c.505G>A, p.Gly169Ser (NM_001008844.3, NM_001319034.2); short protein forms G169S.
Identifiers: ClinVar variation 1514143 (VCV001514143.7), dbSNP rs1184706017, ClinGen allele CA362672449.

ClinVar aggregate classification (germline): Uncertain significance. Review status: criteria provided, multiple submitters, no conflicts (2 of 4 stars). 2 submissions from 2 submitters: Uncertain significance (2). Last evaluated 2025-09-22.

Conditions:
Arrhythmogenic right ventricular dysplasia 8 (ARVD8). Also called: Arrhythmogenic Right Ventricular Dysplasia/Cardiomyopathy 8; ARRHYTHMOGENIC RIGHT VENTRICULAR DYSPLASIA, FAMILIAL, 8; ARRHYTHMOGENIC RIGHT VENTRICULAR CARDIOMYOPATHY 8. Identifiers: MedGen C1843896, MONDO:0011831, OMIM 607450.
Arrhythmogenic cardiomyopathy with wooly hair and keratoderma. Also called: Arrhythmogenic cardiomyopathy with woolly hair and keratoderma; Carvajal syndrome; PALMOPLANTAR KERATODERMA WITH LEFT VENTRICULAR CARDIOMYOPATHY AND WOOLLY HAIR; Dilated cardiomyopathy with woolly hair and keratoderma. Identifiers: Orphanet 65282, MedGen C1854063, MONDO:0011581, OMIM 605676.
Cardiomyopathy (CMYO). Also called: Cardiomyopathies. Identifiers: Orphanet 167848, MedGen C0878544, MONDO:0004994, HP:0001638. Inheritance: Various modes of inheritance.

Submissions (2):

Color Diagnostics, LLC DBA Color Health
Classification: Uncertain significance for Cardiomyopathy. Last evaluated: 2025-09-22. Review status: criteria provided, single submitter. Criteria: ACMG Guidelines, 2015. Collection method: clinical testing. Allele origin: germline.
Comment: This missense variant replaces glycine with serine at codon 169 of the DSP protein. Computational prediction suggests that this variant may not impact protein structure and function. To our knowledge, functional studies have not been reported for this variant. This variant has not been reported in individuals affected with DSP-related disorders in the literature. This variant has not been identified in the general population by the Genome Aggregation Database (gnomAD). The available evidence is insufficient to determine the role of this variant in disease conclusively. Therefore, this variant is classified as a Variant of Uncertain Significance.

Labcorp Genetics (formerly Invitae), Labcorp
Classification: Uncertain significance for Arrhythmogenic cardiomyopathy with wooly hair and keratoderma; Arrhythmogenic right ventricular dysplasia 8. Last evaluated: 2022-01-16. Review status: criteria provided, single submitter. Criteria: Invitae Variant Classification Sherloc (09022015). Collection method: clinical testing. Allele origin: germline.
Comment: In summary, the available evidence is currently insufficient to determine the role of this variant in disease. Therefore, it has been classified as a Variant of Uncertain Significance. This sequence change replaces glycine, which is neutral and non-polar, with serine, which is neutral and polar, at codon 169 of the DSP protein (p.Gly169Ser). This variant is not present in population databases (gnomAD no frequency). This variant has not been reported in the literature in individuals affected with DSP-related conditions. Algorithms developed to predict the effect of missense changes on protein structure and function are either unavailable or do not agree on the potential impact of this missense change (SIFT: "Tolerated"; PolyPhen-2: "Probably Damaging"; Align-GVGD: "Class C0").